The following is an entry in ClinVar:

NM_000094.4(COL7A1):c.6688G>T (p.Gly2230Ter)

Gene: COL7A1 (collagen type VII alpha 1 chain; minus strand). Cytogenetic location: 3p21.31.
Variant type: single nucleotide variant.
Coding change: c.6688G>T on transcript NM_000094.4 (MANE Select); coding-DNA position 6688, G replaced by T.
Protein change: p.Gly2230Ter; replaces glycine 2230 with a stop codon.
Molecular consequence: nonsense.
Genome position (GRCh38, 1-based): chr3:48,573,200, C>A on the plus strand (G>T on the coding strand, the complement: COL7A1 is on the minus strand). VCF-style: chr3-48573200-C-A. GRCh37 (hg19) VCF-style: chr3-48610633-C-A.
Other names: short protein forms G2230*.
Identifiers: ClinVar variation 5014644 (VCV005014644.1).

ClinVar aggregate classification (germline): Pathogenic (1 of 4 stars; one submission).

Conditions:
Recessive dystrophic epidermolysis bullosa (RDEB). Also called: DYSTROPHIC EPIDERMOLYSIS BULLOSA, AUTOSOMAL RECESSIVE; EPIDERMOLYSIS BULLOSA DYSTROPHICA, HALLOPEAU-SIEMENS TYPE; Hallopeau-Siemens Disease; severe generalized recessive dystrophic epidermolysis bullosa; EPIDERMOLYSIS BULLOSA DYSTROPHICA, GENERALIZED SEVERE, AUTOSOMAL RECESSIVE; Epidermolysis Bullosa Distrophica Autosomal Recessive (RDEB). Identifiers: Orphanet 79408, Orphanet 79409, MedGen C0079474, MONDO:0009179, OMIM 226600.

Submission:

Myriad Genetics, Inc.
Classification: Pathogenic for Recessive dystrophic epidermolysis bullosa. Last evaluated: 2025-06-26. Review status: criteria provided, single submitter. Criteria: Myriad Autosomal Dominant, Autosomal Recessive and X-Linked Classification Criteria (2023). Collection method: clinical testing. Allele origin: unknown.
Comment: NM_000094.3(COL7A1):c.6688G>T(G2230*) is expected to be pathogenic in the context of dystrophic epidermolysis bullosa. This variant is predicted to lead to an abnormal or absent protein product due to the creation of a premature termination codon in COL7A1, a gene where loss-of-function variants are known to be pathogenic. Please note: this variant was assessed in the context of healthy population screening.